The following is an entry in ClinVar:

NM_001365999.1(SZT2):c.5815C>T (p.Arg1939Trp)

Gene: SZT2 (SZT2 subunit of KICSTOR complex; plus strand). Cytogenetic location: 1p34.2.
Variant type: single nucleotide variant.
Coding change: c.5815C>T on transcript NM_001365999.1 (MANE Select); coding-DNA position 5815, C replaced by T.
Protein change: p.Arg1939Trp; replaces arginine 1939 with tryptophan.
Molecular consequence: missense variant.
Genome position (GRCh38, 1-based): chr1:43,434,396, C>T. VCF-style: chr1-43434396-C-T. GRCh37 (hg19) VCF-style: chr1-43900067-C-T.
Other names: c.5644C>T (NM_015284.3); c.5644C>T, p.Arg1882Trp (NM_015284.4); short protein forms R1882W, R1939W.
Identifiers: ClinVar variation 1040798 (VCV001040798.7), dbSNP rs1391888607, ClinGen allele CA340027034.

ClinVar aggregate classification (germline): Uncertain significance. Review status: criteria provided, multiple submitters, no conflicts (2 of 4 stars). 4 submissions from 4 submitters: Uncertain significance (4). Last evaluated 2023-06-06.

Conditions:
Developmental and epileptic encephalopathy. Identifiers: MedGen C5779964, MONDO:0100620.
Developmental and epileptic encephalopathy, 18 (DEE18). Also called: Early infantile epileptic encephalopathy 18. Identifiers: Orphanet 369894, MedGen C3809624, MONDO:0014201, OMIM 615476.

gnomAD v4.1: 8 of 1,593,924 alleles (0.0005%); highest among the groups gnomAD compares: South Asian, 0.0035%; no homozygotes.

Submissions (4):

Molecular Genetics, Royal Melbourne Hospital
Classification: Uncertain significance for Developmental and epileptic encephalopathy. Last evaluated: 2023-06-06. Review status: criteria provided, single submitter. Criteria: ACMG Guidelines, 2015. Collection method: clinical testing. Allele origin: germline. Inheritance: Autosomal recessive inheritance.
Comment: This sequence change in SZT2 is predicted to replace arginine with tryptophan at codon 1939, p.(Arg1939Trp). The arginine residue is weakly conserved (100 vertebrates, UCSC), and is not located in an annotated functional domain. There is a large physicochemical difference between arginine and tryptophan. This variant is present in a single East Asian individual in the population database gnomAD v2.1 (1/16,144 alleles), which is consistent with a recessive disease. To our knowledge, this variant has not been previously reported in the relevant scientific literature and is reported as a variant of uncertain significance (ClinVar ID: 1040798). Computational evidence predicts a benign effect for the missense substitution (REVEL = 0.188). Based on the classification scheme RMH Modified ACMG/AMP Guidelines v1.6.1, this variant is classified as a VARIANT OF UNCERTAIN SIGNIFICANCE. Following criteria are met: PM2_Supporting, BP4.

Genome-Nilou Lab
Classification: Uncertain significance for Developmental and epileptic encephalopathy, 18. Last evaluated: 2023-04-11. Review status: criteria provided, single submitter. Criteria: ACMG Guidelines, 2015. Collection method: clinical testing. Allele origin: germline. Affected: no.

GeneDx
Classification: Uncertain significance. Last evaluated: 2023-01-09. Review status: criteria provided, single submitter. Criteria: GeneDx Variant Classification Process June 2021. Collection method: clinical testing. Allele origin: germline. Affected: yes.
Comment: Not observed at significant frequency in large population cohorts (gnomAD); In silico analysis supports that this missense variant has a deleterious effect on protein structure/function; Has not been previously published as pathogenic or benign to our knowledge

Labcorp Genetics (formerly Invitae), Labcorp
Classification: Uncertain significance. Last evaluated: 2022-01-17. Review status: criteria provided, single submitter. Criteria: Invitae Variant Classification Sherloc (09022015). Collection method: clinical testing. Allele origin: germline.
Comment: In summary, the available evidence is currently insufficient to determine the role of this variant in disease. Therefore, it has been classified as a Variant of Uncertain Significance. Algorithms developed to predict the effect of missense changes on protein structure and function (SIFT, PolyPhen-2, Align-GVGD) all suggest that this variant is likely to be disruptive. ClinVar contains an entry for this variant (Variation ID: 1040798). This variant has not been reported in the literature in individuals affected with SZT2-related conditions. The frequency data for this variant in the population databases is considered unreliable, as metrics indicate poor data quality at this position in the gnomAD database. This sequence change replaces arginine, which is basic and polar, with tryptophan, which is neutral and slightly polar, at codon 1882 of the SZT2 protein (p.Arg1882Trp).